The following is an entry in ClinVar:

NM_022464.5(SIL1):c.565A>G (p.Ile189Val)

Gene: SIL1 (SIL1 nucleotide exchange factor; minus strand). Cytogenetic location: 5q31.2.
Variant type: single nucleotide variant.
Coding change: c.565A>G on transcript NM_022464.5 (MANE Select); coding-DNA position 565, A replaced by G.
Protein change: p.Ile189Val; replaces isoleucine 189 with valine.
Molecular consequence: missense variant.
Genome position (GRCh38, 1-based): chr5:139,026,881, T>C on the plus strand (A>G on the coding strand, the complement: SIL1 is on the minus strand). VCF-style: chr5-139026881-T-C. GRCh37 (hg19) VCF-style: chr5-138362570-T-C.
Other names: c.565A>G, p.Ile189Val (NM_001037633.2); short protein forms I189V.
Identifiers: ClinVar variation 2211399 (VCV002211399.3), dbSNP rs1462420461, ClinGen allele CA361134985.

ClinVar aggregate classification (germline): Uncertain significance. Review status: criteria provided, multiple submitters, no conflicts (2 of 4 stars). 2 submissions from 2 submitters: Uncertain significance (2). Last evaluated 2025-10-27.

Conditions:
Inborn genetic diseases. Identifiers: MedGen C0950123, MeSH D030342.

gnomAD v4.1: 6 of 1,614,118 alleles (0.00037%); highest among the groups gnomAD compares: African/African-American, 0.0053%; no homozygotes.

Submissions (2):

Athena Diagnostics
Classification: Uncertain significance. Last evaluated: 2025-10-27. Review status: criteria provided, single submitter. Criteria: Athena Diagnostics Criteria. Collection method: clinical testing. Allele origin: unknown.
Comment: Available data are insufficient to determine the clinical significance of the variant at this time. The frequency of this variant in the general population is uninformative in assessment of its pathogenicity. Polyphen and MutationTaster predict this amino acid change may be benign.

Ambry Genetics
Classification: Uncertain significance for Inborn genetic diseases. Last evaluated: 2021-04-20. Review status: criteria provided, single submitter. Criteria: Ambry Variant Classification Scheme 2023. Collection method: clinical testing. Allele origin: germline.